The following is an entry in ClinVar:

ClinVar aggregate classification (germline): Pathogenic. Review status: criteria provided, multiple submitters, no conflicts (2 of 4 stars). 3 submissions from 3 submitters: Pathogenic (3). Last evaluated 2025-06-03.

Conditions:
Joubert syndrome 3 (JBTS3). Also called: AHI1-related Ciliopathy. Identifiers: Orphanet 220493, MedGen C1837713, MONDO:0012078, OMIM 608629.
Joubert syndrome. Also called: JOUBERT-BOLTSHAUSER SYNDROME; Familial aplasia of the vermis. Identifiers: Orphanet 475, MedGen C5979921, MONDO:0018772.

Submissions (3):

Myriad Genetics, Inc.
Classification: Pathogenic for Joubert syndrome 3. Last evaluated: 2025-06-03. Review status: criteria provided, single submitter. Criteria: Myriad Autosomal Dominant, Autosomal Recessive and X-Linked Classification Criteria (2023). Collection method: clinical testing. Allele origin: unknown.
Comment: NM_001134831.1(AHI1):c.2057_2060delACAA(N686Ifs*23) is expected to be pathogenic in the context of Joubert syndrome, AHI1-related. This variant is predicted to lead to an abnormal or absent protein product due to the creation of a premature termination codon in AHI1, a gene where loss-of-function variants are known to be pathogenic. Please note: this variant was assessed in the context of healthy population screening.

Fulgent Genetics
Classification: Pathogenic for Joubert syndrome 3. Last evaluated: 2024-02-07. Review status: criteria provided, single submitter. Criteria: ACMG Guidelines, 2015. Collection method: clinical testing. Allele origin: germline.

Labcorp Genetics (formerly Invitae), Labcorp
Classification: Pathogenic for Joubert syndrome. Last evaluated: 2024-01-17. Review status: criteria provided, single submitter. Criteria: Invitae Variant Classification Sherloc (09022015). Collection method: clinical testing. Allele origin: germline.
Comment: This sequence change creates a premature translational stop signal (p.Asn686Ilefs*23) in the AHI1 gene. It is expected to result in an absent or disrupted protein product. Loss-of-function variants in AHI1 are known to be pathogenic (PMID: 15322546, 16453322, 28442542, 29186038). This variant is not present in population databases (gnomAD no frequency). This premature translational stop signal has been observed in individual(s) with Joubert syndrome (PMID: 18054307). For these reasons, this variant has been classified as Pathogenic.

Literature cited by the submitters: PubMed 15322546 (cited by Labcorp Genetics (formerly Invitae), Labcorp); PubMed 16453322 (cited by Labcorp Genetics (formerly Invitae), Labcorp); PubMed 28442542 (cited by Labcorp Genetics (formerly Invitae), Labcorp); PubMed 29186038 (cited by Labcorp Genetics (formerly Invitae), Labcorp); PubMed 18054307 (cited by Labcorp Genetics (formerly Invitae), Labcorp).

NM_001134831.2(AHI1):c.2057_2060del (p.Asn686fs)

Gene: AHI1 (Abelson helper integration site 1; minus strand). Cytogenetic location: 6q23.3.
Variant type: Deletion.
Coding change: c.2057_2060del on transcript NM_001134831.2 (MANE Select); coding-DNA positions 2057 to 2060, 4 bases deleted (ACAA; older notation c.2057_2060delACAA).
Protein change: p.Asn686fs; shifts the reading frame from asparagine 686.
Molecular consequence: frameshift variant.
Genome position (GRCh38, 1-based): chr6:135,433,233-135,433,236, TTGT deleted on the plus strand (ACAA on the coding strand, the reverse complement: AHI1 is on the minus strand); deleting any 4 consecutive bases within chr6:135,433,233-135,433,238 gives the same sequence; the c. name uses the placement nearest the transcript's 3' end. VCF-style (leftmost placement, unchanged base first): chr6-135433232-ATTGT-A. GRCh37 (hg19) VCF-style: chr6-135754370-ATTGT-A.
Other names: c.2057_2060del (NM_017651.4); c.2057_2060del, p.Asn686fs (NM_001134830.2, NM_001134832.2, NM_001350503.2 and 2 more transcripts); short protein forms N686fs.
Identifiers: ClinVar variation 2734958 (VCV002734958.5), dbSNP rs2484607393, ClinGen allele CA2680452553.
Genomic context (GRCh38, chr6:135,433,232, plus strand): 5'-TGGATGGAATTTAGCCGTGTAAACAAAAGAAGGATGAGGTAAAACTCTGAAAGTATTTGT[ATTGT>A]TTATTTCATTTTTCCATATCCTGGAAAAGGATAAGAAGTTACATATTGCTTCTGAAAAGC-3'